The following is an entry in ClinVar:

ClinVar aggregate classification (germline): Uncertain significance (1 of 4 stars; one submission).

Submission:

GeneDx
Classification: Uncertain significance. Last evaluated: 2024-02-13. Review status: criteria provided, single submitter. Criteria: GeneDx Variant Classification Process June 2021. Collection method: clinical testing. Allele origin: germline. Affected: yes.
Comment: Not observed at significant frequency in large population cohorts (gnomAD); In silico analysis supports that this missense variant has a deleterious effect on protein structure/function; Has not been previously published as pathogenic or benign to our knowledge

NM_213720.3(CHCHD10):c.366T>G (p.Cys122Trp)

Gene: CHCHD10 (coiled-coil-helix-coiled-coil-helix domain containing 10; minus strand). Cytogenetic location: 22q11.23.
Variant type: single nucleotide variant.
Coding change: c.366T>G on transcript NM_213720.3 (MANE Select); coding-DNA position 366, T replaced by G.
Protein change: p.Cys122Trp; replaces cysteine 122 with tryptophan.
Molecular consequence: missense variant. On other transcripts: non-coding transcript variant (2).
Genome position (GRCh38, 1-based): chr22:23,766,171, A>C on the plus strand (T>G on the coding strand, the complement: CHCHD10 is on the minus strand). VCF-style: chr22-23766171-A-C. GRCh37 (hg19) VCF-style: chr22-24108358-A-C.
Other names: c.387T>G, p.Cys129Trp (NM_001301339.2); short protein forms C122W, C129W.
Identifiers: ClinVar variation 3369241 (VCV003369241.1).